The following is an entry in ClinVar:

ClinVar aggregate classification (germline): Uncertain significance. Review status: criteria provided, multiple submitters, no conflicts (2 of 4 stars). 2 submissions from 2 submitters: Uncertain significance (2). Last evaluated 2025-09-22.

Conditions:
WHRN-related disorder. Also called: WHRN-related condition.

Allele frequency attached by ClinVar (database versions not stated): gnomAD exomes 0.00001; TOPMed 0.00001.
gnomAD v4.1: 15 of 1,612,250 alleles (0.00093%); highest among the groups gnomAD compares: Non-Finnish European, 0.0012%; no homozygotes.

Submissions (2):

PreventionGenetics, part of Exact Sciences
Classification: Uncertain significance for WHRN-related condition. Last evaluated: 2025-09-22. Review status: criteria provided, single submitter. Criteria: ACMG Guidelines, 2015. Collection method: clinical testing. Allele origin: germline.
Comment: The WHRN c.643G>A variant is predicted to result in the amino acid substitution p.Val215Met. To our knowledge, this variant has not been reported in the literature. This variant is reported in 0.0018% of alleles in individuals of European (Non-Finnish) descent in gnomAD. At this time, the clinical significance of this variant is uncertain due to the absence of conclusive functional and genetic evidence.

Labcorp Genetics (formerly Invitae), Labcorp
Classification: Uncertain significance. Last evaluated: 2019-10-13. Review status: criteria provided, single submitter. Criteria: Invitae Variant Classification Sherloc (09022015). Collection method: clinical testing. Allele origin: germline.
Comment: Algorithms developed to predict the effect of missense changes on protein structure and function output the following: SIFT: "Tolerated"; PolyPhen-2: "Benign"; Align-GVGD: "Class C0". The methionine amino acid residue is found in multiple mammalian species, suggesting that this missense change does not adversely affect protein function. These predictions have not been confirmed by published functional studies and their clinical significance is uncertain. This variant has not been reported in the literature in individuals with WHRN-related conditions. This variant is not present in population databases (ExAC no frequency). This sequence change replaces valine with methionine at codon 215 of the WHRN protein (p.Val215Met). The valine residue is moderately conserved and there is a small physicochemical difference between valine and methionine. In summary, the available evidence is currently insufficient to determine the role of this variant in disease. Therefore, it has been classified as a Variant of Uncertain Significance.

NM_015404.4(WHRN):c.643G>A (p.Val215Met)

Gene: WHRN (whirlin; minus strand). Cytogenetic location: 9q32.
Variant type: single nucleotide variant.
Coding change: c.643G>A on transcript NM_015404.4 (MANE Select); coding-DNA position 643, G replaced by A.
Protein change: p.Val215Met; replaces valine 215 with methionine.
Molecular consequence: missense variant. On other transcripts: 5 prime UTR variant (1).
Genome position (GRCh38, 1-based): chr9:114,478,747, C>T on the plus strand (G>A on the coding strand, the complement: WHRN is on the minus strand). VCF-style: chr9-114478747-C-T. GRCh37 (hg19) VCF-style: chr9-117241027-C-T.
Other names: c.-507G>A (NM_001083885.3); c.643G>A, p.Val215Met (NM_001173425.2); short protein forms V215M.
Identifiers: ClinVar variation 966677 (VCV000966677.10), dbSNP rs375459436, ClinGen allele CA374622103.